The following is an entry in ClinVar:

NM_024408.4(NOTCH2):c.5975C>T (p.Ala1992Val)

Gene: NOTCH2 (notch receptor 2; minus strand). Cytogenetic location: 1p12.
Variant type: single nucleotide variant.
Coding change: c.5975C>T on transcript NM_024408.4 (MANE Select); coding-DNA position 5975, C replaced by T.
Protein change: p.Ala1992Val; replaces alanine 1992 with valine.
Molecular consequence: missense variant.
Genome position (GRCh38, 1-based): chr1:119,917,717, G>A on the plus strand (C>T on the coding strand, the complement: NOTCH2 is on the minus strand). VCF-style: chr1-119917717-G-A. GRCh37 (hg19) VCF-style: chr1-120460340-G-A.
Other names: short protein forms A1992V.
Identifiers: ClinVar variation 2631510 (VCV002631510.1), dbSNP rs1649134580, ClinGen allele CA341881932.
Genomic context (GRCh38, chr1:119,917,717, plus strand): 5'-AACTGTACCTTGTTGTCCTGCATGTCTCGGTTGGCCCCATTTTTCAACAACAAAAGAGTT[G>A]CCTCCACATTATTGACAGCAGCTGCCCAGTGAAGAGCAGATTTTCCTGCAGGGGAGAAAC-3'
Protein context (NP_077719.2, residues 1982-2002): HWAAAVNNVE[Ala1992Val]TLLLLKNGAN

ClinVar aggregate classification (germline): Uncertain significance (1 of 4 stars; one submission).

Conditions:
NOTCH2-related disorder. Also called: NOTCH2-related condition.

Submission:

PreventionGenetics, part of Exact Sciences
Classification: Uncertain significance for NOTCH2-related condition. Last evaluated: 2023-08-03. Review status: criteria provided, single submitter. Criteria: ACMG Guidelines, 2015. Collection method: clinical testing. Allele origin: germline.
Comment: The NOTCH2 c.5975C>T variant is predicted to result in the amino acid substitution p.Ala1992Val. To our knowledge, this variant has not been reported in the literature or in a large population database, indicating this variant is rare. At this time, the clinical significance of this variant is uncertain due to the absence of conclusive functional and genetic evidence.